The following is an entry in ClinVar:

ClinVar aggregate classification (germline): Conflicting classifications of pathogenicity. Review status: criteria provided, conflicting classifications (1 of 4 stars). 2 submissions from 2 submitters: Uncertain significance (1); Likely benign (1). Last evaluated 2025-09-03.

Conditions:
Hereditary cancer-predisposing syndrome. Also called: Tumor predisposition; Hereditary neoplastic syndrome; Neoplastic Syndromes, Hereditary; Hereditary Cancer Syndrome. Identifiers: Orphanet 140162, MedGen C0027672, MeSH D009386, MONDO:0015356.
Cardiovascular phenotype. Identifiers: MedGen CN230736.

Allele frequency attached by ClinVar (database versions not stated): TOPMed 0.00001.

Submissions (2):

Labcorp Genetics (formerly Invitae), Labcorp
Classification: Likely benign. Last evaluated: 2025-09-03. Review status: criteria provided, single submitter. Criteria: Invitae Variant Classification Sherloc (09022015). Collection method: clinical testing. Allele origin: germline.

Ambry Genetics
Classification: Uncertain significance for Cardiovascular phenotype; Hereditary cancer-predisposing syndrome. Last evaluated: 2025-03-24. Review status: criteria provided, single submitter. Criteria: Ambry Variant Classification Scheme 2023. Collection method: clinical testing. Allele origin: germline.
Comment: The c.1150-5C>T intronic variant results from a C to T substitution 5 nucleotides upstream from coding exon 11 in the LZTR1 gene. This nucleotide position is not well conserved in available vertebrate species. In silico splice site analysis predicts that this alteration will not have any significant effect on splicing. Since supporting evidence is limited at this time, the clinical significance of this alteration remains unclear.

NM_006767.4(LZTR1):c.1150-5C>T

Gene: LZTR1 (leucine zipper like post translational regulator 1; plus strand). Cytogenetic location: 22q11.21.
Variant type: single nucleotide variant.
Coding change: c.1150-5C>T on transcript NM_006767.4 (MANE Select); 5 bases into the intron before coding-DNA position 1150, C replaced by T.
Molecular consequence: intron variant.
Genome position (GRCh38, 1-based): chr22:20,992,789, C>T. VCF-style: chr22-20992789-C-T. GRCh37 (hg19) VCF-style: chr22-21347078-C-T.
Other names: c.1150-5C>T (NM_006767.3).
Identifiers: ClinVar variation 1589522 (VCV001589522.11), dbSNP rs992627026, ClinGen allele CA322267908.
Genomic context (GRCh38, chr22:20,992,789, plus strand): 5'-CTGCACCAGCCGCACTGTGGAGGCTCTGCTCCCCCACCATTCCACCCTGCCTTCTTGTCC[C>T]CCAGCTGCCCAGTGGGAGGCTCTTCCACGCGGCTGCTGTCATCTCGGACGCCATGTACAT-3'